The following is an entry in ClinVar:

NM_017780.4(CHD7):c.4717C>A (p.Leu1573Met)

Gene: CHD7 (chromodomain helicase DNA binding protein 7; plus strand). Cytogenetic location: 8q12.2.
Variant type: single nucleotide variant.
Coding change: c.4717C>A on transcript NM_017780.4 (MANE Select); coding-DNA position 4717, C replaced by A.
Protein change: p.Leu1573Met; replaces leucine 1573 with methionine.
Molecular consequence: missense variant. On other transcripts: intron variant (1).
Genome position (GRCh38, 1-based): chr8:60,841,919, C>A. VCF-style: chr8-60841919-C-A. GRCh37 (hg19) VCF-style: chr8-61754478-C-A.
Other names: c.1717-20310C>A (NM_001316690.1); short protein forms L1573M.
Identifiers: ClinVar variation 5007321 (VCV005007321.2).

ClinVar aggregate classification (germline): Uncertain significance (1 of 4 stars; one submission).

Conditions:
CHD7-related CHARGE syndrome. Identifiers: MedGen CN380413, MONDO:1010178, OMIM 214800.
Hypogonadotropic hypogonadism 5 with or without anosmia (KAL5). Also called: HYPOGONADOTROPIC HYPOGONADISM 5 WITH ANOSMIA; HYPOGONADOTROPHIC HYPOGONADISM 5 WITHOUT ANOSMIA; CHD7-Related GnRH Deficiency (Kallmann Syndrome 5). Identifiers: Orphanet 478, MedGen C3552553, MONDO:0012880, OMIM 612370. Disease mechanism: loss of function.

Submission:

Juno Genomics, Hangzhou Juno Genomics, Inc
Classification: Uncertain significance for CHD7-related CHARGE syndrome; Hypogonadotropic hypogonadism 5 with or without anosmia. Review status: criteria provided, single submitter. Criteria: ACMG Guidelines, 2015. Collection method: clinical testing. Allele origin: germline.
Comment: Absent from controls (or at extremely low frequency if recessive) in Genome Aggregation Database.;Missense variant in a gene that has a low rate of benign missense variation.